The following is an entry in ClinVar:

ClinVar aggregate classification (germline): Uncertain significance (1 of 4 stars; one submission).

Submission:

Labcorp Genetics (formerly Invitae), Labcorp
Classification: Uncertain significance. Last evaluated: 2024-08-04. Review status: criteria provided, single submitter. Criteria: Invitae Variant Classification Sherloc (09022015). Collection method: clinical testing. Allele origin: germline.
Comment: This sequence change replaces isoleucine, which is neutral and non-polar, with methionine, which is neutral and non-polar, at codon 1481 of the COL2A1 protein (p.Ile1481Met). This variant is not present in population databases (gnomAD no frequency). This variant has not been reported in the literature in individuals affected with COL2A1-related conditions. Advanced modeling of protein sequence and biophysical properties (such as structural, functional, and spatial information, amino acid conservation, physicochemical variation, residue mobility, and thermodynamic stability) has been performed at Invitae for this missense variant, however the output from this modeling did not meet the statistical confidence thresholds required to predict the impact of this variant on COL2A1 protein function. In summary, the available evidence is currently insufficient to determine the role of this variant in disease. Therefore, it has been classified as a Variant of Uncertain Significance.

NM_001844.5(COL2A1):c.4443A>G (p.Ile1481Met)

Gene: COL2A1 (collagen type II alpha 1 chain; minus strand). Cytogenetic location: 12q13.11.
Variant type: single nucleotide variant.
Coding change: c.4443A>G on transcript NM_001844.5 (MANE Select); coding-DNA position 4443, A replaced by G.
Protein change: p.Ile1481Met; replaces isoleucine 1481 with methionine.
Molecular consequence: missense variant.
Genome position (GRCh38, 1-based): chr12:47,973,428, T>C on the plus strand (A>G on the coding strand, the complement: COL2A1 is on the minus strand). VCF-style: chr12-47973428-T-C. GRCh37 (hg19) VCF-style: chr12-48367211-T-C.
Other names: c.4236A>G, p.Ile1412Met (NM_033150.3); short protein forms I1481M, I1412M.
Identifiers: ClinVar variation 3672944 (VCV003672944.2).